The following is an entry in ClinVar:

ClinVar aggregate classification (germline): Benign/Likely benign. Review status: criteria provided, multiple submitters, no conflicts (2 of 4 stars). 5 submissions from 5 submitters: Benign (1); Likely benign (1). 3 of the submissions do not count toward it. Last evaluated 2025-09-01.

Conditions:
Hirschsprung disease, susceptibility to, 1 (HSCR1). Also called: RET-Related Hirschsprung Disease. Identifiers: Orphanet 388, MedGen C3888239, MONDO:0007723, OMIM 142623.

Allele frequency attached by ClinVar (database versions not stated): 1000 Genomes Project 30x 0.00094; 1000 Genomes Project 0.00100; TOPMed 0.00209; ExAC 0.00288; gnomAD 0.00291 and 0.00307; gnomAD exomes 0.00319 and 0.00338; ESP Exome Variant Server 0.00284.
gnomAD v4.1: 5,359 of 1,613,602 alleles (0.33%); highest among the groups gnomAD compares: Non-Finnish European, 0.35%; 13 homozygotes.

Submissions (5):

CeGaT Center for Human Genetics Tuebingen
Classification: Likely benign. Last evaluated: 2025-09-01. Review status: criteria provided, single submitter. Criteria: CeGaT Center For Human Genetics Tuebingen Variant Classification Criteria Version 2. Collection method: clinical testing. Allele origin: germline. Affected: yes. Observed: 1 variant allele.
Comment: KDR: BP4, BS2

Labcorp Genetics (formerly Invitae), Labcorp
Classification: Benign. Last evaluated: 2019-12-31. Review status: criteria provided, single submitter. Criteria: Invitae Variant Classification Sherloc (09022015). Collection method: clinical testing. Allele origin: germline.

Department of Genetics, Reproduction and Fetal Medicine., Institute of Biomedicine of Seville (IBIS), University Hospital Virgen del Rocío/CSIC/University of Seville.
Classification: Uncertain significance for Hirschsprung disease 1. Last evaluated: 2015-04-01. Review status: no assertion criteria provided. Collection method: research. Allele origin: germline. Affected: yes. Not counted in ClinVar's aggregate classification.

ITMI
No classification provided. Condition: AllHighlyPenetrant. Last evaluated: 2013-09-19. Review status: no classification provided. Collection method: reference population. Allele origin: germline. Not counted in ClinVar's aggregate classification.
Comment: Please see associated publication for description of ethnicities

Department of Pathology and Laboratory Medicine, Sinai Health System
Classification: Likely benign. Review status: no assertion criteria provided. Collection method: clinical testing. Allele origin: unknown. Affected: yes. Study: The Canadian Open Genetics Repository (COGR). Not counted in ClinVar's aggregate classification.
Comment: The KDR p.Thr689Met variant was not identified in the literature but was identified in dbSNP (ID: rs34038364), ClinVar (classified as uncertain significance by Department of Genetics, Reproduction and Fetal Medicine, Institute of Biomedicine of Seville (IBIS), University Hospital Virgen del Rocâˆšâ‰ o/CSIC/University of Seville) and LOVD 3.0 (classified as likely benign). The variant was identified in control databases in 916 of 282566 chromosomes (7 homozygous) at a frequency of 0.003242 increasing the likelihood this could be a low frequency benign variant (Genome Aggregation Database March 6, 2019, v2.1.1). The variant was observed in the following populations: European (Finnish) in 370 of 25118 chromosomes (freq: 0.01473), Other in 40 of 7210 chromosomes (freq: 0.005548), European (non-Finnish) in 392 of 128968 chromosomes (freq: 0.00304), Latino in 92 of 35386 chromosomes (freq: 0.0026), African in 21 of 24964 chromosomes (freq: 0.000841) and Ashkenazi Jewish in 1 of 10360 chromosomes (freq: 0.000097), but was not observed in the East Asian or South Asian populations. The p.Thr689 residue is not conserved in mammals and four out of five computational analyses (PolyPhen-2, SIFT, AlignGVGD, BLOSUM, MutationTaster) do not suggest a high likelihood of impact to the protein; however, this information is not predictive enough to rule out pathogenicity. The variant occurs outside of the splicing consensus sequence and in silico or computational prediction software programs (SpliceSiteFinder, MaxEntScan, NNSPLICE, GeneSplicer) do not predict a difference in splicing. In summary, based on the above information the clinical significance of this variant cannot be determined with certainty at this time although we would lean towards a more benign role for this variant. This variant is classified as likely benign.

Literature cited by the submitters: PubMed 24728327 (cited by ITMI).

NM_002253.4(KDR):c.2066C>T (p.Thr689Met)

Gene: KDR (kinase insert domain receptor; minus strand). Cytogenetic location: 4q12.
Variant type: single nucleotide variant.
Coding change: c.2066C>T on transcript NM_002253.4 (MANE Select); coding-DNA position 2066, C replaced by T.
Protein change: p.Thr689Met; replaces threonine 689 with methionine.
Molecular consequence: missense variant.
Genome position (GRCh38, 1-based): chr4:55,102,430, G>A on the plus strand (C>T on the coding strand, the complement: KDR is on the minus strand). VCF-style: chr4-55102430-G-A. GRCh37 (hg19) VCF-style: chr4-55968597-G-A.
Other names: short protein forms T689M.
Identifiers: ClinVar variation 134606 (VCV000134606.13), dbSNP rs34038364, ClinGen allele CA160317.